The following is an entry in ClinVar:

NM_012213.3(MLYCD):c.641+2T>C

Gene: MLYCD (malonyl-CoA decarboxylase; plus strand). Cytogenetic location: 16q23.3.
Variant type: single nucleotide variant.
Coding change: c.641+2T>C on transcript NM_012213.3 (MANE Select); the canonical splice donor site of the intron after coding-DNA position 641, T replaced by C.
Molecular consequence: splice donor variant.
Genome position (GRCh38, 1-based): chr16:83,907,101, T>C. VCF-style: chr16-83907101-T-C. GRCh37 (hg19) VCF-style: chr16-83940706-T-C.
Identifiers: ClinVar variation 2837010 (VCV002837010.3), dbSNP rs1907006410, ClinGen allele CA396918761.

ClinVar aggregate classification (germline): Likely pathogenic (1 of 4 stars; one submission).

Conditions:
Deficiency of malonyl-CoA decarboxylase. Also called: Malonic aciduria; MCD deficiency. Identifiers: Orphanet 943, MedGen C0342793, MONDO:0009556, OMIM 248360.

gnomAD v4.1: 1 of 1,606,178 alleles (0.000062%); no homozygotes.

Submission:

Labcorp Genetics (formerly Invitae), Labcorp
Classification: Likely pathogenic for Deficiency of malonyl-CoA decarboxylase. Last evaluated: 2023-02-14. Review status: criteria provided, single submitter. Criteria: Invitae Variant Classification Sherloc (09022015). Collection method: clinical testing. Allele origin: germline.
Comment: This variant is not present in population databases (gnomAD no frequency). This sequence change affects a donor splice site in intron 2 of the MLYCD gene. It is expected to disrupt RNA splicing. Variants that disrupt the donor or acceptor splice site typically lead to a loss of protein function (PMID: 16199547), and loss-of-function variants in MLYCD are known to be pathogenic (PMID: 12955715, 17186413). This variant has not been reported in the literature in individuals affected with MLYCD-related conditions. Algorithms developed to predict the effect of sequence changes on RNA splicing suggest that this variant may disrupt the consensus splice site. In summary, the currently available evidence indicates that the variant is pathogenic, but additional data are needed to prove that conclusively. Therefore, this variant has been classified as Likely Pathogenic.

Literature cited by the submitters: PubMed 16199547; PubMed 12955715; PubMed 17186413.